The following is an entry in ClinVar:

NM_007294.4(BRCA1):c.3791A>G (p.Lys1264Arg)

Genes: BRCA1 (BRCA1 DNA repair associated; minus strand), LOC126862571 (BRD4-independent group 4 enhancer GRCh37_chr17:41243136-41244335; plus strand). Cytogenetic location: 17q21.31.
Variant type: single nucleotide variant.
Coding change: c.3791A>G on transcript NM_007294.4 (MANE Select); coding-DNA position 3791, A replaced by G.
Protein change: p.Lys1264Arg; replaces lysine 1264 with arginine.
Molecular consequence: missense variant. On other transcripts: intron variant (135).
Genome position (GRCh38, 1-based): chr17:43,091,740, T>C on the plus strand (A>G on the coding strand, the complement: BRCA1 is on the minus strand). VCF-style: chr17-43091740-T-C. GRCh37 (hg19) VCF-style: chr17-41243757-T-C.
Other names: c.3458A>G, p.Lys1153Arg (NM_001407948.1, NM_001407949.1, NM_001407950.1 and 6 more transcripts); c.3455A>G, p.Lys1152Arg (NM_001407955.1, NM_001407956.1, NM_001407958.1 and 1 more transcripts); c.3410A>G, p.Lys1137Arg (NM_001407963.1, NM_001407959.1, NM_001407960.1); c.3647A>G, p.Lys1216Arg (NM_001407964.1, NM_001407740.1, NM_001407741.1 and 20 more transcripts); c.3287A>G, p.Lys1096Arg (NM_001407965.1); c.2903A>G, p.Lys968Arg (NM_001407966.1, NM_001407967.1); c.3407A>G, p.Lys1136Arg (NM_001407962.1); c.3650A>G, p.Lys1217Arg (NM_001407738.1, NM_001407739.1, NM_001407750.1 and 29 more transcripts); and 41 more; short protein forms K1264R, K1217R, K1153R, K1193R, K1223R, K1237R, K396R, K1152R.
Identifiers: ClinVar variation 531245 (VCV000531245.12), dbSNP rs1555587039, ClinGen allele CA10594389.
Genomic context (GRCh38, chr17:43,091,740, plus strand): 5'-TGATGTTCCTGAGATGCCTTTGCCAATATTACCTGGTTACTGCAGTCATTTAAGCTATTC[T>C]TCAATGATAATAAATTCTCCTCTGTGTTCTTAGACAGACACTCGGTAGCAACGGTGCTAT-3'
Protein context (NP_009225.1, residues 1254-1274): KNTEENLLSL[Lys1264Arg]NSLNDCSNQV

ClinVar aggregate classification (germline): Conflicting classifications of pathogenicity. Review status: criteria provided, conflicting classifications (1 of 4 stars). 2 submissions from 2 submitters: Uncertain significance (1); Likely benign (1). Last evaluated 2024-09-18.

Conditions:
Hereditary cancer-predisposing syndrome. Also called: Hereditary neoplastic syndrome; Neoplastic Syndromes, Hereditary; Tumor predisposition; Hereditary Cancer Syndrome. Identifiers: Orphanet 140162, MedGen C0027672, MeSH D009386, MONDO:0015356.
Hereditary breast ovarian cancer syndrome. Also called: Hereditary breast and ovarian cancer syndrome (HBOC); BRCA1- and BRCA2-Associated Hereditary Breast and Ovarian Cancer; Hereditary breast and ovarian cancer syndrome; Breast and ovarian cancer; Hereditary breast and ovarian cancer; Hereditary breast and/or ovarian cancer syndrome. Identifiers: Orphanet 145, MedGen C0677776, MeSH D061325, MONDO:0003582. Disease mechanism: loss of function.

Submissions (2):

Labcorp Genetics (formerly Invitae), Labcorp
Classification: Uncertain significance for Hereditary breast ovarian cancer syndrome. Last evaluated: 2024-09-18. Review status: criteria provided, single submitter. Criteria: Invitae Variant Classification Sherloc (09022015). Collection method: clinical testing. Allele origin: germline.
Comment: This sequence change replaces lysine, which is basic and polar, with arginine, which is basic and polar, at codon 1264 of the BRCA1 protein (p.Lys1264Arg). This variant is not present in population databases (gnomAD no frequency). This variant has not been reported in the literature in individuals affected with BRCA1-related conditions. ClinVar contains an entry for this variant (Variation ID: 531245). Invitae Evidence Modeling of protein sequence and biophysical properties (such as structural, functional, and spatial information, amino acid conservation, physicochemical variation, residue mobility, and thermodynamic stability) indicates that this missense variant is not expected to disrupt BRCA1 protein function with a negative predictive value of 95%. In summary, the available evidence is currently insufficient to determine the role of this variant in disease. Therefore, it has been classified as a Variant of Uncertain Significance.

University of Washington Department of Laboratory Medicine, University of Washington
Classification: Likely benign for Hereditary cancer-predisposing syndrome. Last evaluated: 2023-03-23. Review status: criteria provided, single submitter. Criteria: Dines et al. (Genet Med. 2020). Collection method: curation. Allele origin: germline.
Comment: Missense variant in a coldspot region where missense variants are very unlikely to be pathogenic (PMID:31911673).

BRCA1 coldspot (exon 11 using historical exon numbering). Reclassification based on statistical prior probability